The following is an entry in ClinVar:

ClinVar aggregate classification (germline): Uncertain significance. Review status: criteria provided, multiple submitters, no conflicts (2 of 4 stars). 2 submissions from 2 submitters: Uncertain significance (2). Last evaluated 2024-12-19.

Conditions:
DEAF1-related disorder.

gnomAD v4.1: 2 of 1,614,034 alleles (0.00012%); no homozygotes.

Submissions (2):

PreventionGenetics, part of Exact Sciences
Classification: Uncertain significance for DEAF1-related condition. Last evaluated: 2024-12-19. Review status: criteria provided, single submitter. Criteria: ACMG Guidelines, 2015. Collection method: clinical testing. Allele origin: germline.
Comment: The DEAF1 c.1141G>C variant is predicted to result in the amino acid substitution p.Val381Leu. To our knowledge, this variant has not been reported in the literature. This variant is reported in 0.0033% of alleles in individuals of South Asian descent in gnomAD. At this time, the clinical significance of this variant is uncertain due to the absence of conclusive functional and genetic evidence.

Labcorp Genetics (formerly Invitae), Labcorp
Classification: Uncertain significance. Last evaluated: 2022-10-17. Review status: criteria provided, single submitter. Criteria: Invitae Variant Classification Sherloc (09022015). Collection method: clinical testing. Allele origin: germline.
Comment: Advanced modeling of protein sequence and biophysical properties (such as structural, functional, and spatial information, amino acid conservation, physicochemical variation, residue mobility, and thermodynamic stability) performed at Invitae indicates that this missense variant is not expected to disrupt DEAF1 protein function. ClinVar contains an entry for this variant (Variation ID: 1427166). This variant has not been reported in the literature in individuals affected with DEAF1-related conditions. This variant is present in population databases (rs753669832, gnomAD 0.003%). This sequence change replaces valine, which is neutral and non-polar, with leucine, which is neutral and non-polar, at codon 381 of the DEAF1 protein (p.Val381Leu). In summary, the available evidence is currently insufficient to determine the role of this variant in disease. Therefore, it has been classified as a Variant of Uncertain Significance.

NM_021008.4(DEAF1):c.1141G>C (p.Val381Leu)

Gene: DEAF1 (DEAF1 transcription factor; minus strand). Cytogenetic location: 11p15.5.
Variant type: single nucleotide variant.
Coding change: c.1141G>C on transcript NM_021008.4 (MANE Select); coding-DNA position 1141, G replaced by C.
Protein change: p.Val381Leu; replaces valine 381 with leucine.
Molecular consequence: missense variant.
Genome position (GRCh38, 1-based): chr11:678,808, C>G on the plus strand (G>C on the coding strand, the complement: DEAF1 is on the minus strand). VCF-style: chr11-678808-C-G. GRCh37 (hg19) VCF-style: chr11-678808-C-G.
Other names: c.874G>C, p.Val292Leu (NM_001293634.2); c.415G>C, p.Val139Leu (NM_001367390.1); c.1141G>C (NM_021008.3); short protein forms V381L, V292L, V139L.
Identifiers: ClinVar variation 1427166 (VCV001427166.9), dbSNP rs753669832, ClinGen allele CA5786293.
Genomic context (GRCh38, chr11:678,808, plus strand): 5'-AGCTGTCCTGATAGCCGGGGTAGTGAGGCTCAGGGTGGCTGGCCCTGCATGGGGGCTGCA[C>G]GCTGGCCTCTTGGACTGTTGGGGAGAAAAAGGACAGGGAGGCTCGGGATGGTTGTCCGCA-3'
Protein context (NP_066288.2, residues 371-391): FAGATVQEAS[Val381Leu]QPPCRASHPE